The following is an entry in ClinVar:

ClinVar aggregate classification (germline): Uncertain significance (1 of 4 stars; one submission).

gnomAD v4.1: 3 of 1,614,094 alleles (0.00019%); highest among the groups gnomAD compares: Non-Finnish European, 0.00025%; no homozygotes.

Submission:

Labcorp Genetics (formerly Invitae), Labcorp
Classification: Uncertain significance. Last evaluated: 2024-05-10. Review status: criteria provided, single submitter. Criteria: Invitae Variant Classification Sherloc (09022015). Collection method: clinical testing. Allele origin: germline.
Comment: This sequence change replaces leucine, which is neutral and non-polar, with proline, which is neutral and non-polar, at codon 187 of the SON protein (p.Leu187Pro). This variant is not present in population databases (gnomAD no frequency). This variant has not been reported in the literature in individuals affected with SON-related conditions. An algorithm developed to predict the effect of missense changes on protein structure and function (PolyPhen-2) suggests that this variant is likely to be tolerated. In summary, the available evidence is currently insufficient to determine the role of this variant in disease. Therefore, it has been classified as a Variant of Uncertain Significance.

NM_138927.4(SON):c.560T>C (p.Leu187Pro)

Gene: SON (SON DNA and RNA binding protein; plus strand). Cytogenetic location: 21q22.11.
Variant type: single nucleotide variant.
Coding change: c.560T>C on transcript NM_138927.4 (MANE Select); coding-DNA position 560, T replaced by C.
Protein change: p.Leu187Pro; replaces leucine 187 with proline.
Molecular consequence: missense variant. On other transcripts: non-coding transcript variant (1), intron variant (1).
Genome position (GRCh38, 1-based): chr21:33,549,791, T>C. VCF-style: chr21-33549791-T-C. GRCh37 (hg19) VCF-style: chr21-34922097-T-C.
Other names: c.560T>C, p.Leu187Pro (NM_001291411.2, NM_032195.3); c.244+3412T>C (NM_001291412.3); short protein forms L187P.
Identifiers: ClinVar variation 3669149 (VCV003669149.2).